The following is an entry in ClinVar:

NM_000181.4(GUSB):c.455A>G (p.Asp152Gly)

Gene: GUSB (glucuronidase beta; minus strand). Cytogenetic location: 7q11.21.
Variant type: single nucleotide variant.
Coding change: c.455A>G on transcript NM_000181.4 (MANE Select); coding-DNA position 455, A replaced by G.
Protein change: p.Asp152Gly; replaces aspartic acid 152 with glycine.
Molecular consequence: missense variant. On other transcripts: non-coding transcript variant (1), intron variant (2).
Genome position (GRCh38, 1-based): chr7:65,979,853, T>C on the plus strand (A>G on the coding strand, the complement: GUSB is on the minus strand). VCF-style: chr7-65979853-T-C. GRCh37 (hg19) VCF-style: chr7-65444840-T-C.
Other names: c.455A>G, p.Asp152Gly (NM_001284290.2); c.67+371A>G (NM_001293105.2); c.12-312A>G (NM_001293104.2); short protein forms D152G.
Identifiers: ClinVar variation 3233636 (VCV003233636.2), dbSNP rs2484841599, ClinGen allele CA367650727.

ClinVar aggregate classification (germline): Uncertain significance (1 of 4 stars; one submission).

Allele frequency attached by ClinVar (database versions not stated): gnomAD exomes below 0.00001.

Submission:

Women's Health and Genetics/Laboratory Corporation of America, LabCorp
Classification: Uncertain significance. Last evaluated: 2024-03-28. Review status: criteria provided, single submitter. Criteria: LabCorp Variant Classification Summary - May 2015. Collection method: clinical testing. Allele origin: germline.
Comment: Variant summary: GUSB c.455A>G (p.Asp152Gly) results in a non-conservative amino acid change located in the Glycosyl hydrolases family 2, sugar binding domain (IPR006104) of the encoded protein sequence. Five of five in-silico tools predict a damaging effect of the variant on protein function. The variant was absent in 249680 control chromosomes (gnomAD). The available data on variant occurrences in the general population are insufficient to allow any conclusion about variant significance. c.455A>G has been reported in the literature in an individual affected with Mucopolysaccharidosis Type VII (Sly Syndrome). This report does not provide unequivocal conclusions about association of the variant with Mucopolysaccharidosis Type VII (Sly Syndrome). To our knowledge, no experimental evidence demonstrating an impact on protein function has been reported. The following publication has been ascertained in the context of this evaluation (PMID: 19224584). No submitters have cited clinical-significance assessments for this variant to ClinVar. Based on the evidence outlined above, the variant was classified as uncertain significance.

Literature cited by the submitters: PubMed 19224584.